The following is an entry in ClinVar:

ClinVar aggregate classification (germline): Uncertain significance (1 of 4 stars; one submission).

Allele frequency attached by ClinVar (database versions not stated): gnomAD exomes below 0.00001; ExAC 0.00001; TOPMed 0.00002; gnomAD 0.00003.
gnomAD v4.1: 7 of 1,610,362 alleles (0.00043%); highest among the groups gnomAD compares: African/African-American, 0.008%; no homozygotes.

Submission:

Labcorp Genetics (formerly Invitae), Labcorp
Classification: Uncertain significance. Last evaluated: 2022-08-16. Review status: criteria provided, single submitter. Criteria: Invitae Variant Classification Sherloc (09022015). Collection method: clinical testing. Allele origin: germline.
Comment: This sequence change replaces glutamic acid, which is acidic and polar, with glycine, which is neutral and non-polar, at codon 1538 of the DSCAML1 protein (p.Glu1538Gly). In summary, the available evidence is currently insufficient to determine the role of this variant in disease. Therefore, it has been classified as a Variant of Uncertain Significance. Algorithms developed to predict the effect of missense changes on protein structure and function (SIFT, PolyPhen-2, Align-GVGD) all suggest that this variant is likely to be tolerated. This variant has not been reported in the literature in individuals affected with DSCAML1-related conditions. This variant is present in population databases (rs754716340, gnomAD 0.01%).

NM_020693.4(DSCAML1):c.4433A>G (p.Glu1478Gly)

Gene: DSCAML1 (DS cell adhesion molecule like 1; minus strand). Cytogenetic location: 11q23.3.
Variant type: single nucleotide variant.
Coding change: c.4433A>G on transcript NM_020693.4 (MANE Select); coding-DNA position 4433, A replaced by G.
Protein change: p.Glu1478Gly; replaces glutamic acid 1478 with glycine.
Molecular consequence: missense variant.
Genome position (GRCh38, 1-based): chr11:117,437,409, T>C on the plus strand (A>G on the coding strand, the complement: DSCAML1 is on the minus strand). VCF-style: chr11-117437409-T-C. GRCh37 (hg19) VCF-style: chr11-117308125-T-C.
Other names: short protein forms E1478G.
Identifiers: ClinVar variation 1936303 (VCV001936303.5), dbSNP rs754716340, ClinGen allele CA6296370.